The following is an entry in ClinVar:

NM_003640.5(ELP1):c.209G>T (p.Arg70Leu)

Gene: ELP1 (elongator acetyltransferase complex subunit 1; minus strand). Cytogenetic location: 9q31.3.
Variant type: single nucleotide variant.
Coding change: c.209G>T on transcript NM_003640.5 (MANE Select); coding-DNA position 209, G replaced by T.
Protein change: p.Arg70Leu; replaces arginine 70 with leucine.
Molecular consequence: missense variant. On other transcripts: 5 prime UTR variant (2).
Genome position (GRCh38, 1-based): chr9:108,929,863, C>A on the plus strand (G>T on the coding strand, the complement: ELP1 is on the minus strand). VCF-style: chr9-108929863-C-A. GRCh37 (hg19) VCF-style: chr9-111692143-C-A.
Other names: c.209G>T (LRG_251t1); c.-134G>T (NM_001318360.2); c.-651G>T (NM_001330749.2); short protein forms R70L.
Identifiers: ClinVar variation 526182 (VCV000526182.10), dbSNP rs111936933, ClinGen allele CA5175429.

ClinVar aggregate classification (germline): Uncertain significance. Review status: criteria provided, multiple submitters, no conflicts (2 of 4 stars). 5 submissions from 5 submitters: Uncertain significance (4). 1 of the submissions does not count toward it. Last evaluated 2025-05-23.

Conditions:
Familial dysautonomia. Also called: FD; HSAN III. Identifiers: Orphanet 1764, MedGen C0013364, MONDO:0009131, OMIM 223900. Disease mechanism: loss of function.
Medulloblastoma (MDB). Also called: Medulloblastoma, somatic; MEDULLOBLASTOMA PREDISPOSITION SYNDROME. Identifiers: Orphanet 616, MedGen C0025149, MeSH D008527, MONDO:0007959, OMIM 155255, HP:0002885.

Allele frequency attached by ClinVar (database versions not stated): TOPMed 0.00010.

Submissions (5):

Labcorp Genetics (formerly Invitae), Labcorp
Classification: Uncertain significance. Last evaluated: 2025-05-23. Review status: criteria provided, single submitter. Criteria: Invitae Variant Classification Sherloc (09022015). Collection method: clinical testing. Allele origin: germline.
Comment: This sequence change replaces arginine, which is basic and polar, with leucine, which is neutral and non-polar, at codon 70 of the ELP1 protein (p.Arg70Leu). This variant is present in population databases (rs111936933, gnomAD 0.2%). This variant has not been reported in the literature in individuals affected with ELP1-related conditions. ClinVar contains an entry for this variant (Variation ID: 526182). Invitae Evidence Modeling of protein sequence and biophysical properties (such as structural, functional, and spatial information, amino acid conservation, physicochemical variation, residue mobility, and thermodynamic stability) indicates that this missense variant is not expected to disrupt ELP1 protein function with a negative predictive value of 80%. In summary, the available evidence is currently insufficient to determine the role of this variant in disease. Therefore, it has been classified as a Variant of Uncertain Significance.

Fulgent Genetics
Classification: Uncertain significance for Medulloblastoma; Familial dysautonomia. Last evaluated: 2021-08-10. Review status: criteria provided, single submitter. Criteria: ACMG Guidelines, 2015. Collection method: clinical testing. Allele origin: unknown.

GeneDx
Classification: Uncertain significance. Last evaluated: 2020-01-31. Review status: criteria provided, single submitter. Criteria: GeneDx Variant Classification Process June 2021. Collection method: clinical testing. Allele origin: germline. Affected: yes.
Comment: In silico analysis supports that this missense variant does not alter protein structure/function; Has not been previously published as pathogenic or benign to our knowledge

Illumina Laboratory Services, Illumina
Classification: Uncertain significance for Familial dysautonomia. Last evaluated: 2018-01-12. Review status: criteria provided, single submitter. Criteria: ICSL Variant Classification Criteria 13 December 2019. Collection method: clinical testing. Allele origin: germline.

Natera, Inc.
Classification: Uncertain significance for Familial dysautonomia. Last evaluated: 2020-09-16. Review status: no assertion criteria provided. Collection method: clinical testing. Allele origin: germline. Not counted in ClinVar's aggregate classification.